The following is an entry in ClinVar:

ClinVar aggregate classification (germline): Likely benign. Review status: criteria provided, single submitter (1 of 4 stars). 2 submissions from 2 submitters: Likely benign (1). 1 of the submissions does not count toward it. Last evaluated 2025-06-24.

Conditions:
CRB2-related disorder. Also called: CRB2-related condition; CRB2-related disorders.

Allele frequency attached by ClinVar (database versions not stated): gnomAD exomes 0.00001; TOPMed 0.00002; ExAC 0.00002; gnomAD 0.00001.
gnomAD v4.1: 6 of 1,548,120 alleles (0.00039%); highest among the groups gnomAD compares: Admixed American, 0.0097%; no homozygotes.

Submissions (2):

Labcorp Genetics (formerly Invitae), Labcorp
Classification: Likely benign. Last evaluated: 2025-06-24. Review status: criteria provided, single submitter. Criteria: Invitae Variant Classification Sherloc (09022015). Collection method: clinical testing. Allele origin: germline.

PreventionGenetics, part of Exact Sciences
Classification: Likely benign for CRB2-related condition. Last evaluated: 2022-02-24. Review status: no assertion criteria provided. Collection method: clinical testing. Allele origin: germline. Not counted in ClinVar's aggregate classification.
Comment: This variant is classified as likely benign based on ACMG/AMP sequence variant interpretation guidelines (Richards et al. 2015 PMID: 25741868, with internal and published modifications).

NM_173689.7(CRB2):c.732C>T (p.Ser244=)

Gene: CRB2 (crumbs cell polarity complex component 2; plus strand). Cytogenetic location: 9q33.3.
Variant type: single nucleotide variant.
Coding change: c.732C>T on transcript NM_173689.7 (MANE Select); coding-DNA position 732, C replaced by T.
Protein change: p.Ser244=; no amino-acid change (serine 244 retained).
Molecular consequence: synonymous variant.
Genome position (GRCh38, 1-based): chr9:123,366,344, C>T. VCF-style: chr9-123366344-C-T. GRCh37 (hg19) VCF-style: chr9-126128623-C-T.
Other names: c.732C>T (NM_173689.6).
Identifiers: ClinVar variation 3006809 (VCV003006809.5), dbSNP rs760634007, ClinGen allele CA5231746.